The following is an entry in ClinVar:

NM_002226.5(JAG2):c.493C>T (p.Arg165Ter)

Gene: JAG2 (jagged canonical Notch ligand 2; minus strand). Cytogenetic location: 14q32.33.
Variant type: single nucleotide variant.
Coding change: c.493C>T on transcript NM_002226.5 (MANE Select); coding-DNA position 493, C replaced by T.
Protein change: p.Arg165Ter; replaces arginine 165 with a stop codon.
Molecular consequence: nonsense.
Genome position (GRCh38, 1-based): chr14:105,155,972, G>A on the plus strand (C>T on the coding strand, the complement: JAG2 is on the minus strand). VCF-style: chr14-105155972-G-A. GRCh37 (hg19) VCF-style: chr14-105622309-G-A.
Other names: c.493C>T, p.Arg165Ter (NM_145159.3); short protein forms R165*.
Identifiers: ClinVar variation 1677287 (VCV001677287.1), dbSNP rs751347948, ClinGen allele CA7386424.
Genomic context (GRCh38, chr14:105,155,972, plus strand): 5'-CGCTGAAGTGCAGGCTCTTCCAGCGGTCCTCCGGGTTGATCATGCCGGCATGCGACACTC[G>A]CTCGATCAGCAGCTCCTCTTGGGGAGGCGGCAGAGTCAGCACAGGCCAGAGAAACCAGCC-3'

ClinVar aggregate classification (germline): Likely pathogenic (1 of 4 stars; one submission).

Conditions:
Muscular dystrophy, limb-girdle, autosomal recessive 27. Identifiers: MedGen C5562002, MONDO:0030456, OMIM 619566.

Allele frequency attached by ClinVar (database versions not stated): ExAC 0.00001; gnomAD exomes 0.00001.

Submission:

SIB Swiss Institute of Bioinformatics
Classification: Likely pathogenic for Muscular dystrophy, limb-girdle, autosomal recessive 27. Last evaluated: 2022-04-20. Review status: criteria provided, single submitter. Criteria: ACMG Guidelines, 2015. Collection method: curation. Allele origin: unknown.
Comment: This variant is interpreted as likely pathogenic for Muscular dystrophy, limb-girdle, autosomal recessive 27. The following ACMG Tag(s) were applied: Absent from controls (or at extremely low frequency if recessive) in Exome Sequencing Project, 1000 Genomes Project, or Exome Aggregation Consortium (PM2); Predicted nullvariant in a gene where LOF is a known mechanism of disease (PVS1 downgraded to strong).

Literature cited by the submitters: PubMed 33861953.